The following is an entry in ClinVar:

NM_001378120.1(MBD5):c.1829G>A (p.Gly610Asp)

Gene: MBD5 (methyl-CpG binding domain protein 5; plus strand). Cytogenetic location: 2q23.1.
Variant type: single nucleotide variant.
Coding change: c.1829G>A on transcript NM_001378120.1 (MANE Select); coding-DNA position 1829, G replaced by A.
Protein change: p.Gly610Asp; replaces glycine 610 with aspartic acid.
Molecular consequence: missense variant.
Genome position (GRCh38, 1-based): chr2:148,469,772, G>A. VCF-style: chr2-148469772-G-A. GRCh37 (hg19) VCF-style: chr2-149227341-G-A.
Other names: c.1829G>A, p.Gly610Asp (NM_001438856.1, NM_001438857.1, NM_001438858.1 and 7 more transcripts); short protein forms G610D.
Identifiers: ClinVar variation 4741427 (VCV004741427.1).

ClinVar aggregate classification (germline): Uncertain significance (1 of 4 stars; one submission).

Conditions:
Intellectual developmental disorder, autosomal dominant 1. Also called: MBD5 Haploinsufficiency; Intellectual disability, autosomal dominant 1. Identifiers: Orphanet 228402, MedGen C1969562, MONDO:0007974, OMIM 156200.

gnomAD v4.1: 4 of 1,613,918 alleles (0.00025%); highest among the groups gnomAD compares: Admixed American, 0.0033%; no homozygotes.

Submission:

Labcorp Genetics (formerly Invitae), Labcorp
Classification: Uncertain significance for Intellectual developmental disorder, autosomal dominant 1. Last evaluated: 2025-09-26. Review status: criteria provided, single submitter. Criteria: Invitae Variant Classification Sherloc (09022015). Collection method: clinical testing. Allele origin: germline.
Comment: This sequence change replaces glycine, which is neutral and non-polar, with aspartic acid, which is acidic and polar, at codon 610 of the MBD5 protein (p.Gly610Asp). This variant is present in population databases (rs750120669, gnomAD 0.006%). This variant has not been reported in the literature in individuals affected with MBD5-related conditions. Invitae Evidence Modeling of protein sequence and biophysical properties (such as structural, functional, and spatial information, amino acid conservation, physicochemical variation, residue mobility, and thermodynamic stability) indicates that this missense variant is not expected to disrupt MBD5 protein function with a negative predictive value of 80%. In summary, the available evidence is currently insufficient to determine the role of this variant in disease. Therefore, it has been classified as a Variant of Uncertain Significance.